The following is an entry in ClinVar:

ClinVar aggregate classification (germline): Uncertain significance (1 of 4 stars; one submission).

Conditions:
Catecholaminergic polymorphic ventricular tachycardia 1. Also called: VENTRICULAR TACHYCARDIA, CATECHOLAMINERGIC POLYMORPHIC, 1, WITH OR WITHOUT ATRIAL DYSFUNCTION AND/OR DILATED CARDIOMYOPATHY; RYR2-Related Catecholaminergic Polymorphic Ventricular Tachycardia; VENTRICULAR TACHYCARDIA, STRESS-INDUCED POLYMORPHIC 1. Identifiers: Orphanet 3286, MedGen C1631597, MONDO:0011484, OMIM 604772.

gnomAD v4.1: 4 of 1,502,656 alleles (0.00027%); highest among the groups gnomAD compares: South Asian, 0.0051%; no homozygotes.

Submission:

Labcorp Genetics (formerly Invitae), Labcorp
Classification: Uncertain significance for Catecholaminergic polymorphic ventricular tachycardia 1. Last evaluated: 2021-06-16. Review status: criteria provided, single submitter. Criteria: Invitae Variant Classification Sherloc (09022015). Collection method: clinical testing. Allele origin: germline.
Comment: In summary, the available evidence is currently insufficient to determine the role of this variant in disease. Therefore, it has been classified as a Variant of Uncertain Significance. Algorithms developed to predict the effect of sequence changes on RNA splicing suggest that this variant may create or strengthen a splice site, but this prediction has not been confirmed by published transcriptional studies. This variant has not been reported in the literature in individuals with TRDN-related conditions. The frequency data for this variant in the population databases is considered unreliable, as metrics indicate poor data quality at this position in the ExAC database. This sequence change falls in intron 38 of the TRDN gene. It does not directly change the encoded amino acid sequence of the TRDN protein.

NM_006073.4(TRDN):c.1975+8C>A

Gene: TRDN (triadin; minus strand). Cytogenetic location: 6q22.31.
Variant type: single nucleotide variant.
Coding change: c.1975+8C>A on transcript NM_006073.4 (MANE Select); 8 bases into the intron after coding-DNA position 1975, C replaced by A.
Molecular consequence: intron variant.
Genome position (GRCh38, 1-based): chr6:123,252,404, G>T on the plus strand (C>A on the coding strand, the complement: TRDN is on the minus strand). VCF-style: chr6-123252404-G-T. GRCh37 (hg19) VCF-style: chr6-123573549-G-T.
Identifiers: ClinVar variation 1431751 (VCV001431751.9), dbSNP rs754046696, ClinGen allele CA3983666.
Genomic context (GRCh38, chr6:123,252,404, plus strand): 5'-ATGAATTTCATCTTAAAATTGATACTATGTATCAAAGAGAACTTGTCATTAATACAAACC[G>T]TACTTACTTGATACTCTTGCAGGTTTTTCTGCTAAAAAGAGAAAATAAATAAGTTTTGTT-3'